The following is an entry in ClinVar:

ClinVar aggregate classification (germline): Uncertain significance. Review status: criteria provided, single submitter (1 of 4 stars). 2 submissions from 2 submitters: Uncertain significance (1). 1 of the submissions does not count toward it. Last evaluated 2022-06-03.

Conditions:
Hereditary cancer-predisposing syndrome. Also called: Tumor predisposition; Hereditary neoplastic syndrome; Neoplastic Syndromes, Hereditary; Hereditary Cancer Syndrome. Identifiers: Orphanet 140162, MedGen C0027672, MeSH D009386, MONDO:0015356.
Familial cancer of breast. Also called: BREAST CANCER, FAMILIAL; hereditary breast carcinoma; Hereditary breast cancer. Identifiers: Orphanet 227535, MedGen C0346153, MONDO:0016419, OMIM 114480. Disease mechanism: loss of function.

Submissions (2):

Ambry Genetics
Classification: Uncertain significance for Hereditary cancer-predisposing syndrome. Last evaluated: 2022-06-03. Review status: criteria provided, single submitter. Criteria: Ambry Variant Classification Scheme 2023. Collection method: clinical testing. Allele origin: germline.
Comment: The p.K234R variant (also known as c.701A>G), located in coding exon 6 of the BRIP1 gene, results from an A to G substitution at nucleotide position 701. The lysine at codon 234 is replaced by arginine, an amino acid with highly similar properties. This amino acid position is conserved. In addition, this alteration is predicted to be tolerated by in silico analysis. Since supporting evidence is limited at this time, the clinical significance of this alteration remains unclear.

Labcorp Genetics (formerly Invitae), Labcorp
Classification: Uncertain significance for Familial cancer of breast. Last evaluated: 2014-06-11. Review status: no assertion criteria provided. Collection method: clinical testing. Allele origin: germline. Not counted in ClinVar's aggregate classification.
Comment: The interpretation for this sequence variant was made by Invitae based on the ACMG guidelines.

NM_032043.3(BRIP1):c.701A>G (p.Lys234Arg)

Gene: BRIP1 (BRCA1 interacting DNA helicase 1; minus strand). Cytogenetic location: 17q23.2.
Variant type: single nucleotide variant.
Coding change: c.701A>G on transcript NM_032043.3 (MANE Select); coding-DNA position 701, A replaced by G.
Protein change: p.Lys234Arg; replaces lysine 234 with arginine.
Molecular consequence: missense variant.
Genome position (GRCh38, 1-based): chr17:61,808,684, T>C on the plus strand (A>G on the coding strand, the complement: BRIP1 is on the minus strand). VCF-style: chr17-61808684-T-C. GRCh37 (hg19) VCF-style: chr17-59886045-T-C.
Other names: short protein forms K234R.
Identifiers: ClinVar variation 136153 (VCV000136153.4), dbSNP rs587780834, ClinGen allele CA332996.